The following is an entry in ClinVar:

ClinVar aggregate classification (germline): Likely pathogenic (0 of 4 stars; one submission).

Conditions:
ALMS1-related disorder. Also called: ALMS1-related condition.

Submission:

PreventionGenetics, part of Exact Sciences
Classification: Likely pathogenic for ALMS1-related condition. Last evaluated: 2023-10-18. Review status: no assertion criteria provided. Collection method: clinical testing. Allele origin: germline.
Comment: The ALMS1 c.938dupT variant is predicted to result in a frameshift and premature protein termination (p.Leu313Phefs*4). To our knowledge, this variant has not been reported in the literature or in a large population database, indicating this variant is rare. Frameshift variants in ALMS1 are expected to be pathogenic. This variant is interpreted as likely pathogenic.

NM_001378454.1(ALMS1):c.938dup (p.Leu313fs)

Gene: ALMS1 (ALMS1 centrosome and basal body associated protein; plus strand). Cytogenetic location: 2p13.1.
Variant type: Duplication.
Coding change: c.938dup on transcript NM_001378454.1 (MANE Select); coding-DNA position 938, one base duplicated (T; older notation c.938dupT).
Protein change: p.Leu313fs; shifts the reading frame from leucine 313.
Molecular consequence: frameshift variant.
Genome position (GRCh38, 1-based): chr2:73,424,603, T duplicated; the last of 6 consecutive T bases (chr2:73,424,598-73,424,603); duplicating any one gives the same sequence. VCF-style (leftmost placement, unchanged base first): chr2-73424597-C-CT. GRCh37 (hg19) VCF-style: chr2-73651725-C-CT.
Other names: c.941dup, p.Leu314fs (NM_015120.4); c.938dupT (NM_015120.4); short protein forms L313fs, L314fs.
Identifiers: ClinVar variation 3348567 (VCV003348567.1).